The following is an entry in ClinVar:

NM_005609.4(PYGM):c.1339A>C (p.Ile447Leu)

Gene: PYGM (glycogen phosphorylase, muscle associated; minus strand). Cytogenetic location: 11q13.1.
Variant type: single nucleotide variant.
Coding change: c.1339A>C on transcript NM_005609.4 (MANE Select); coding-DNA position 1339, A replaced by C.
Protein change: p.Ile447Leu; replaces isoleucine 447 with leucine.
Molecular consequence: missense variant.
Genome position (GRCh38, 1-based): chr11:64,753,583, T>G on the plus strand (A>C on the coding strand, the complement: PYGM is on the minus strand). VCF-style: chr11-64753583-T-G. GRCh37 (hg19) VCF-style: chr11-64521055-T-G.
Other names: c.1075A>C, p.Ile359Leu (NM_001164716.1); short protein forms I447L, I359L.
Identifiers: ClinVar variation 305271 (VCV000305271.20), dbSNP rs568496266, ClinGen allele CA6079913.

ClinVar aggregate classification (germline): Likely benign. Review status: criteria provided, multiple submitters, no conflicts (2 of 4 stars). 5 submissions from 5 submitters: Likely benign (3). 2 of the submissions do not count toward it. Last evaluated 2026-01-18.

Conditions:
PYGM-related disorder. Also called: PYGM-related condition.
Glycogen storage disease, type V (GSD5). Also called: MCARDLE DISEASE; MUSCLE GLYCOGEN PHOSPHORYLASE DEFICIENCY; MYOPHOSPHORYLASE DEFICIENCY; PYGM DEFICIENCY; McArdle type glycogen storage disease. Identifiers: Orphanet 368, MedGen C0017924, MONDO:0009293, OMIM 232600.

Allele frequency attached by ClinVar (database versions not stated): gnomAD below 0.00001 and 0.00011; TOPMed 0.00002; gnomAD exomes 0.00022 and 0.00055; 1000 Genomes Project 0.00060; 1000 Genomes Project 30x 0.00062; ExAC 0.00087.
gnomAD v4.1: 339 of 1,607,116 alleles (0.021%); highest among the groups gnomAD compares: South Asian, 0.36%; 3 homozygotes.

Submissions (5):

Labcorp Genetics (formerly Invitae), Labcorp
Classification: Likely benign for Glycogen storage disease, type V. Last evaluated: 2026-01-18. Review status: criteria provided, single submitter. Criteria: Invitae Variant Classification Sherloc (09022015). Collection method: clinical testing. Allele origin: germline.

GeneDx
Classification: Likely benign. Last evaluated: 2019-04-05. Review status: criteria provided, single submitter. Criteria: GeneDx Variant Classification Process June 2021. Collection method: clinical testing. Allele origin: germline. Affected: yes.

Illumina Laboratory Services, Illumina
Classification: Likely benign for Glycogen storage disease, type V. Last evaluated: 2018-01-13. Review status: criteria provided, single submitter. Criteria: ICSL Variant Classification Criteria 13 December 2019. Collection method: clinical testing. Allele origin: germline.
Comment: This variant was observed in the ICSL laboratory as part of a predisposition screen in an ostensibly healthy population. It had not been previously curated by ICSL or reported in the Human Gene Mutation Database (HGMD: prior to June 1st, 2018), and was therefore a candidate for classification through an automated scoring system. Utilizing variant allele frequency, disease prevalence and penetrance estimates, and inheritance mode, an automated score was calculated to assess if this variant is too frequent to cause the disease. Based on the score and internal cut-off values, a variant classified as likely benign is not then subjected to further curation. The score for this variant resulted in a classification of likely benign for this disease.

PreventionGenetics, part of Exact Sciences
Classification: Likely benign for PYGM-related condition. Last evaluated: 2023-10-23. Review status: no assertion criteria provided. Collection method: clinical testing. Allele origin: germline. Not counted in ClinVar's aggregate classification.
Comment: This variant is classified as likely benign based on ACMG/AMP sequence variant interpretation guidelines (Richards et al. 2015 PMID: 25741868, with internal and published modifications).

Natera, Inc.
Classification: Benign for Glycogen storage disease V. Last evaluated: 2020-05-20. Review status: no assertion criteria provided. Collection method: clinical testing. Allele origin: germline. Not counted in ClinVar's aggregate classification.